The following is an entry in ClinVar:

ClinVar aggregate classification (germline): Likely benign (0 of 4 stars; one submission).

Conditions:
CYP7A1-related disorder. Also called: CYP7A1-related condition.

Submission:

PreventionGenetics, part of Exact Sciences
Classification: Likely benign for CYP7A1-related condition. Last evaluated: 2023-02-20. Review status: no assertion criteria provided. Collection method: clinical testing. Allele origin: germline.
Comment: This variant is classified as likely benign based on ACMG/AMP sequence variant interpretation guidelines (Richards et al. 2015 PMID: 25741868, with internal and published modifications).

NM_000780.4(CYP7A1):c.822G>A (p.Glu274=)

Gene: CYP7A1 (cytochrome P450 family 7 subfamily A member 1; minus strand). Cytogenetic location: 8q12.1.
Variant type: single nucleotide variant.
Coding change: c.822G>A on transcript NM_000780.4 (MANE Select); coding-DNA position 822, G replaced by A.
Protein change: p.Glu274=; no amino-acid change (glutamic acid 274 retained).
Molecular consequence: synonymous variant.
Genome position (GRCh38, 1-based): chr8:58,496,690, C>T on the plus strand (G>A on the coding strand, the complement: CYP7A1 is on the minus strand). VCF-style: chr8-58496690-C-T. GRCh37 (hg19) VCF-style: chr8-59409249-C-T.
Identifiers: ClinVar variation 3053370 (VCV003053370.2), dbSNP rs2129605880, ClinGen allele CA461102848.
Genomic context (GRCh38, chr8:58,496,690, plus strand): 5'-AGTCGCTGGAATGGTGTTTGCTTGCGATGCCCAGAGGACCACGAGGTGTGTCTTGGCCTT[C>T]TCCAGATCATCAAAGGTGGACAAAGTGTCATTGAGAAACATGCGCAGGCTGATCAGTTCT-3'
Protein context (NP_000771.2, residues 264-284): NDTLSTFDDL[Glu274=]KAKTHLVVLW